The following is an entry in ClinVar:

ClinVar aggregate classification (germline): Uncertain significance. Review status: criteria provided, multiple submitters, no conflicts (2 of 4 stars). 2 submissions from 2 submitters: Uncertain significance (2). Last evaluated 2025-04-04.

Conditions:
Intellectual developmental disorder, X-linked, syndromic, Raymond type. Also called: Syndromic X-linked intellectual disability Raymond type. Identifiers: MedGen C3275406, MONDO:0010427, OMIM 300799.

Submissions (2):

GeneDx
Classification: Uncertain significance. Last evaluated: 2025-04-04. Review status: criteria provided, single submitter. Criteria: GeneDx Variant Classification Process June 2021. Collection method: clinical testing. Allele origin: germline. Affected: yes.
Comment: Not observed at significant frequency in large population cohorts (gnomAD); In silico analysis indicates that this missense variant does not alter protein structure/function; Has not been previously published as pathogenic or benign to our knowledge

Labcorp Genetics (formerly Invitae), Labcorp
Classification: Uncertain significance for Intellectual developmental disorder, X-linked, syndromic, Raymond type. Last evaluated: 2023-03-27. Review status: criteria provided, single submitter. Criteria: Invitae Variant Classification Sherloc (09022015). Collection method: clinical testing. Allele origin: germline.
Comment: This variant is not present in population databases (gnomAD no frequency). This sequence change replaces isoleucine, which is neutral and non-polar, with valine, which is neutral and non-polar, at codon 188 of the ZDHHC9 protein (p.Ile188Val). This variant has not been reported in the literature in individuals affected with ZDHHC9-related conditions. In summary, the available evidence is currently insufficient to determine the role of this variant in disease. Therefore, it has been classified as a Variant of Uncertain Significance. Advanced modeling of protein sequence and biophysical properties (such as structural, functional, and spatial information, amino acid conservation, physicochemical variation, residue mobility, and thermodynamic stability) performed at Invitae indicates that this missense variant is not expected to disrupt ZDHHC9 protein function.

NM_016032.4(ZDHHC9):c.562A>G (p.Ile188Val)

Gene: ZDHHC9 (zDHHC palmitoyltransferase 9; minus strand). Cytogenetic location: Xq26.1.
Variant type: single nucleotide variant.
Coding change: c.562A>G on transcript NM_016032.4 (MANE Select); coding-DNA position 562, A replaced by G.
Protein change: p.Ile188Val; replaces isoleucine 188 with valine.
Molecular consequence: missense variant.
Genome position (GRCh38, 1-based): chrX:129,814,721, T>C on the plus strand (A>G on the coding strand, the complement: ZDHHC9 is on the minus strand). VCF-style: chrX-129814721-T-C. GRCh37 (hg19) VCF-style: chrX-128948697-T-C.
Other names: c.562A>G (NM_016032.2); c.562A>G, p.Ile188Val (NM_001008222.3); short protein forms I188V.
Identifiers: ClinVar variation 2850308 (VCV002850308.4), dbSNP rs2124105665, ClinGen allele CA414586511.